The following is an entry in ClinVar:

NM_145239.3(PRRT2):c.982A>C (p.Ile328Leu)

Genes: MVP-DT (MVP divergent transcript; minus strand), PRRT2 (proline rich transmembrane protein 2; plus strand). Cytogenetic location: 16p11.2.
Variant type: single nucleotide variant.
Coding change: c.982A>C on transcript NM_145239.3 (MANE Select); coding-DNA position 982, A replaced by C.
Protein change: p.Ile328Leu; replaces isoleucine 328 with leucine.
Molecular consequence: missense variant. On other transcripts: 3 prime UTR variant (2).
Genome position (GRCh38, 1-based): chr16:29,814,435, A>C. VCF-style: chr16-29814435-A-C. GRCh37 (hg19) VCF-style: chr16-29825756-A-C.
Other names: p.Ile328Leu; c.982A>C, p.Ile328Leu (NM_001256442.2, NM_001438120.1, NM_001438121.1); c.*481A>C (NM_001256443.2, NM_001438122.1); short protein forms I328L.
Identifiers: ClinVar variation 4542021 (VCV004542021.1).

ClinVar aggregate classification (germline): Uncertain significance (1 of 4 stars; one submission).

Submission:

Mayo Clinic Laboratories, Mayo Clinic
Classification: Uncertain significance. Last evaluated: 2025-09-26. Review status: criteria provided, single submitter. Criteria: ACMG Guidelines, 2015. Collection method: clinical testing. Allele origin: germline. Observed: 1 variant allele.
Comment: PP3, PM2_supporting